The following is an entry in ClinVar:

NM_006121.4(KRT1):c.1898A>G (p.Lys633Arg)

Gene: KRT1 (keratin 1; minus strand). Cytogenetic location: 12q13.13.
Variant type: single nucleotide variant.
Coding change: c.1898A>G on transcript NM_006121.4 (MANE Select); coding-DNA position 1898, A replaced by G.
Protein change: p.Lys633Arg; replaces lysine 633 with arginine.
Molecular consequence: missense variant.
Genome position (GRCh38, 1-based): chr12:52,675,230, T>C on the plus strand (A>G on the coding strand, the complement: KRT1 is on the minus strand). VCF-style: chr12-52675230-T-C. GRCh37 (hg19) VCF-style: chr12-53069014-T-C.
Other names: short protein forms K633R.
Identifiers: ClinVar variation 309637 (VCV000309637.15), dbSNP rs14024, ClinGen allele CA6586007.

ClinVar aggregate classification (germline): Benign. Review status: criteria provided, multiple submitters, no conflicts (2 of 4 stars). 5 submissions from 4 submitters: Benign (5). Last evaluated 2026-02-03.

Conditions:
Diffuse nonepidermolytic palmoplantar keratoderma (NEPPK). Also called: Nonepidermolytic palmoplantar hyperkeratosis; Nonepidermolytic palmoplantar keratoderma. Identifiers: Orphanet 530838, MedGen C1833030, MONDO:0010962, OMIM 600962, HP:0007404.
Epidermolytic ichthyosis. Also called: Congenital bullous ichthyosiform erythroderma; Bullous ichthyosiform erythroderma; Epidermolytic Hyperkeratosis; KRT10-Related Epidermolytic Hyperkeratosis. Identifiers: Orphanet 312, MedGen C0079153, MONDO:0007239, HP:0007475.

Allele frequency attached by ClinVar (database versions not stated): ESP Exome Variant Server 0.22336; TOPMed 0.23328; gnomAD 0.23729 and 0.24528; 1000 Genomes Project 30x 0.26483; 1000 Genomes Project 0.27556; ExAC 0.30507; gnomAD exomes 0.30924 and 0.31219.
gnomAD v4.1: 493,568 of 1,613,660 alleles (31%); highest among the groups gnomAD compares: East Asian, 59%; 80,446 homozygotes.

Submissions (5):

Labcorp Genetics (formerly Invitae), Labcorp
Classification: Benign. Last evaluated: 2026-02-03. Review status: criteria provided, single submitter. Criteria: Invitae Variant Classification Sherloc (09022015). Collection method: clinical testing. Allele origin: germline.

Illumina Laboratory Services, Illumina
Classification: Benign for Epidermolytic hyperkeratosis 1. Last evaluated: 2018-01-13. Review status: criteria provided, single submitter. Criteria: ICSL Variant Classification Criteria 13 December 2019. Collection method: clinical testing. Allele origin: germline.
Comment: This variant was observed in the ICSL laboratory as part of a predisposition screen in an ostensibly healthy population. It had not been previously curated by ICSL or reported in the Human Gene Mutation Database (HGMD: prior to June 1st, 2018), and was therefore a candidate for classification through an automated scoring system. Utilizing variant allele frequency, disease prevalence and penetrance estimates, and inheritance mode, an automated score was calculated to assess if this variant is too frequent to cause the disease. Based on the score and internal cut-off values, a variant classified as benign is not then subjected to further curation. The score for this variant resulted in a classification of benign for this disease.

Illumina Laboratory Services, Illumina
Classification: Benign for Diffuse nonepidermolytic palmoplantar keratoderma. Last evaluated: 2018-01-13. Review status: criteria provided, single submitter. Criteria: ICSL Variant Classification Criteria 13 December 2019. Collection method: clinical testing. Allele origin: germline.
Comment: the same text as in the submission from Illumina Laboratory Services, Illumina above.

GeneDx
Classification: Benign. Last evaluated: 2015-03-03. Review status: criteria provided, single submitter. Criteria: GeneDx Variant Classification Process June 2021. Collection method: clinical testing. Allele origin: germline. Affected: yes.

Breakthrough Genomics
Classification: Benign. Review status: criteria provided, single submitter. Criteria: ACMG Guidelines, 2015. Collection method: not provided. Allele origin: germline. Inheritance: Autosomal dominant inheritance. Affected: yes.